The following is an entry in ClinVar:

ClinVar aggregate classification (germline): Pathogenic (1 of 4 stars; one submission).

Conditions:
Acute myeloid leukemia (AML). Also called: Acute myeloid leukemia, adult; AML adult; Acute non-lymphocytic leukemia; Acute granulocytic leukemia; Leukemia, acute myeloid, somatic; Leukemia, acute myelogenous, somatic. Identifiers: Orphanet 519, MedGen C0023467, MeSH D015470, MONDO:0018874, OMIM 601626, HP:0004808. Disease mechanism: Constitutively activated FLT3.

Submission:

Centre de Génétique Humaine, Institut de Pathologie Et de Génétique
Classification: Pathogenic for Acute myeloid leukemia. Last evaluated: 2024-10-14. Review status: criteria provided, single submitter. Criteria: ACMG Guidelines, 2015. Collection method: clinical testing. Allele origin: unknown. Inheritance: Autosomal dominant inheritance. Affected: yes. Observed: 1 heterozygote.
Comment: The variant: - PVS1: induces a frameshift in the protein sequence (p.(Gly117Alafs*43)) in a gene where loss of function is a known mechanism of disease. - PS3: induces a damaging effect on the gene or gene product as shown by CEBPA sequencing performed on acute myeloid leukemia (AML) samples collected from 2 siblings. It confirmed the presence of the variant and showed the presence of a second hit at the C-terminal extremity of the protein (i.a. after codon 120) which is a well-known mechanism of AML appearance in these families (PMID: 18768433, 19706798): c. 930_931insAAG (p.(Thr310_Gln311insLys), AF: 0.24) and c. 925_927dup (p.(Glu309dup), AF 0.42). - PM1: affects a well-established functional domain: CEBPA truncating variants located before codon 120 are linked with CEBPA-associated familial AML (PMID: 15575056). - PM2: is absent from population database (GnomAD v4.1.0).

Literature cited by the submitters: PubMed 18768433; PubMed 19706798; PubMed 15575056; PubMed 26162409; PubMed 40313597.

NM_004364.5(CEBPA):c.350del (p.Gly117fs)

Gene: CEBPA (CCAAT enhancer binding protein alpha; minus strand). Cytogenetic location: 19q13.11.
Variant type: Deletion.
Coding change: c.350del on transcript NM_004364.5 (MANE Select); coding-DNA position 350, one base deleted (G; older notation c.350delG).
Protein change: p.Gly117fs; shifts the reading frame from glycine 117.
Molecular consequence: frameshift variant. On other transcripts: 5 prime UTR variant (1).
Genome position (GRCh38, 1-based): chr19:33,302,065, C deleted on the plus strand (G on the coding strand, the reverse complement: CEBPA is on the minus strand); the first of 2 consecutive C bases (chr19:33,302,065-33,302,066); deleting either gives the same sequence. VCF-style (leftmost placement, unchanged base first): chr19-33302064-GC-G. GRCh37 (hg19) VCF-style: chr19-33792970-GC-G.
Other names: c.455del, p.Gly152fs (NM_001287424.2); c.308del, p.Gly103fs (NM_001287435.2); c.-8del (NM_001285829.2); short protein forms G103fs, G117fs, G152fs.
Identifiers: ClinVar variation 3370473 (VCV003370473.2).
Genomic context (GRCh38, chr19:33,302,064, plus strand): 5'-GCCGGCGGCCGCGCAGCCGTAGCCGGGCGGGGGCCCGTGCGCTCCCCCGGGCATGACGGC[GC>G]CGCCGGGGCCCGCGGGCGCGCCCGGGTAGTCAAAGTCGCCGCCGCCGCCGCCGCCCGTGG-3'